The following is an entry in ClinVar:

NM_153704.6(TMEM67):c.1886T>A (p.Ile629Lys)

Gene: TMEM67 (transmembrane protein 67; plus strand). Cytogenetic location: 8q22.1.
Variant type: single nucleotide variant.
Coding change: c.1886T>A on transcript NM_153704.6 (MANE Select); coding-DNA position 1886, T replaced by A.
Protein change: p.Ile629Lys; replaces isoleucine 629 with lysine.
Molecular consequence: missense variant. On other transcripts: non-coding transcript variant (1).
Genome position (GRCh38, 1-based): chr8:93,797,159, T>A. VCF-style: chr8-93797159-T-A. GRCh37 (hg19) VCF-style: chr8-94809387-T-A.
Other names: c.1643T>A, p.Ile548Lys (NM_001142301.1); short protein forms I629K, I548K.
Identifiers: ClinVar variation 1365690 (VCV001365690.6), dbSNP rs1213811614, ClinGen allele CA371693210.
Genomic context (GRCh38, chr8:93,797,159, plus strand): 5'-ACTTTTTCAGGTGTTTTATTATATGTCATTCTCAGGCACTACAATTTTTGCATAAGCTCA[T>A]ATCCCAGATTACAATAGATGTATTCTTTATTGATTGGGAGCGACCTAAAGGAAAGGTTCT-3'
Protein context (NP_714915.3, residues 619-639): LKALQFLHKL[Ile629Lys]SQITIDVFFI

ClinVar aggregate classification (germline): Uncertain significance (1 of 4 stars; one submission).

Conditions:
Joubert syndrome. Also called: CEREBELLOPARENCHYMAL DISORDER IV; JOUBERT-BOLTSHAUSER SYNDROME; Familial aplasia of the vermis. Identifiers: Orphanet 475, MedGen C5979921, MONDO:0018772.
Meckel-Gruber syndrome. Also called: DYSENCEPHALIA SPLANCHNOCYSTICA; GRUBER SYNDROME; Dysencephalia splachnocystica. Identifiers: Orphanet 564, MedGen C0265215, MONDO:0018921.

Allele frequency attached by ClinVar (database versions not stated): gnomAD exomes below 0.00001; TOPMed below 0.00001; gnomAD 0.00001.
gnomAD v4.1: 2 of 1,611,656 alleles (0.00012%); highest among the groups gnomAD compares: African/African-American, 0.0013%; no homozygotes.

Submission:

Labcorp Genetics (formerly Invitae), Labcorp
Classification: Uncertain significance for Joubert syndrome; Meckel-Gruber syndrome. Last evaluated: 2022-07-05. Review status: criteria provided, single submitter. Criteria: Invitae Variant Classification Sherloc (09022015). Collection method: clinical testing. Allele origin: germline.
Comment: This sequence change replaces isoleucine, which is neutral and non-polar, with lysine, which is basic and polar, at codon 629 of the TMEM67 protein (p.Ile629Lys). In summary, the available evidence is currently insufficient to determine the role of this variant in disease. Therefore, it has been classified as a Variant of Uncertain Significance. Advanced modeling of protein sequence and biophysical properties (such as structural, functional, and spatial information, amino acid conservation, physicochemical variation, residue mobility, and thermodynamic stability) performed at Invitae indicates that this missense variant is not expected to disrupt TMEM67 protein function. ClinVar contains an entry for this variant (Variation ID: 1365690). This variant has not been reported in the literature in individuals affected with TMEM67-related conditions. This variant is present in population databases (no rsID available, gnomAD 0.01%).